The following is an entry in ClinVar:

NM_001130009.3(GEN1):c.953A>G (p.Lys318Arg)

Gene: GEN1 (GEN1 structure-specific endonuclease; plus strand). Cytogenetic location: 2p24.2.
Variant type: single nucleotide variant.
Coding change: c.953A>G on transcript NM_001130009.3 (MANE Select); coding-DNA position 953, A replaced by G.
Protein change: p.Lys318Arg; replaces lysine 318 with arginine.
Molecular consequence: missense variant.
Genome position (GRCh38, 1-based): chr2:17,772,784, A>G. VCF-style: chr2-17772784-A-G. GRCh37 (hg19) VCF-style: chr2-17954051-A-G.
Other names: c.953A>G, p.Lys318Arg (NM_182625.5); short protein forms K318R.
Identifiers: ClinVar variation 1436268 (VCV001436268.8), dbSNP rs748788774, ClinGen allele CA1540602.

ClinVar aggregate classification (germline): Uncertain significance (1 of 4 stars; one submission).

Allele frequency attached by ClinVar (database versions not stated): gnomAD 0.00001; gnomAD exomes 0.00002 and 0.00009; ExAC 0.00005; TOPMed 0.00006.
gnomAD v4.1: 33 of 1,603,004 alleles (0.0021%); highest among the groups gnomAD compares: Admixed American, 0.049%; no homozygotes.

Submission:

Labcorp Genetics (formerly Invitae), Labcorp
Classification: Uncertain significance. Last evaluated: 2025-10-24. Review status: criteria provided, single submitter. Criteria: Invitae Variant Classification Sherloc (09022015). Collection method: clinical testing. Allele origin: germline.
Comment: This sequence change replaces lysine, which is basic and polar, with arginine, which is basic and polar, at codon 318 of the GEN1 protein (p.Lys318Arg). This variant is present in population databases (rs748788774, gnomAD 0.06%), and has an allele count higher than expected for a pathogenic variant. This variant has not been reported in the literature in individuals affected with GEN1-related conditions. ClinVar contains an entry for this variant (Variation ID: 1436268). An algorithm developed to predict the effect of missense changes on protein structure and function outputs the following: PolyPhen-2: "Benign". The arginine amino acid residue is found in multiple mammalian species, which suggests that this missense change does not adversely affect protein function. In summary, the available evidence is currently insufficient to determine the role of this variant in disease. Therefore, it has been classified as a Variant of Uncertain Significance.